The following is an entry in ClinVar:

ClinVar aggregate classification (germline): Uncertain significance. Review status: criteria provided, multiple submitters, no conflicts (2 of 4 stars). 2 submissions from 2 submitters: Uncertain significance (2). Last evaluated 2025-12-08.

Conditions:
Epidermolysis bullosa simplex 5C, with pyloric atresia (EBS5C). Also called: PLEC-Related Epidermolysis Bullosa with Pyloric Atresia; Epidermolysis bullosa simplex with pyloric atresia; PLEC1-Related Epidermolysis Bullosa with Pyloric Atresia. Identifiers: Orphanet 158684, MedGen C2677349, MONDO:0012807, OMIM 612138.
Epidermolysis bullosa simplex 5B, with muscular dystrophy (EBS5B). Also called: EPIDERMOLYSIS BULLOSA SIMPLEX AND LIMB-GIRDLE MUSCULAR DYSTROPHY; Epidermolysis bullosa simplex with muscular dystrophy. Identifiers: Orphanet 257, MedGen C2931072, MONDO:0009181, OMIM 226670.
Autosomal recessive limb-girdle muscular dystrophy type 2Q (LGMDR17). Also called: MUSCULAR DYSTROPHY, LIMB-GIRDLE, AUTOSOMAL RECESSIVE 17. Identifiers: Orphanet 254361, MedGen C3150989, MONDO:0013390, OMIM 613723.
Epidermolysis bullosa simplex with nail dystrophy (EBS5D). Identifiers: MedGen C4225309, MONDO:0014661, OMIM 616487.
Epidermolysis bullosa simplex, Ogna type (EBS5A). Also called: Pidermolysis bullosa simplex 5A, Ogna type; EPIDERMOLYSIS BULLOSA SIMPLEX 5A, OGNA TYPE. Identifiers: Orphanet 79401, MedGen C0432317, MONDO:0007555, OMIM 131950.

Allele frequency attached by ClinVar (database versions not stated): gnomAD 0.00001 and 0.00003; TOPMed 0.00002; gnomAD exomes 0.00003; ExAC 0.00005; ESP Exome Variant Server 0.00008.

Submissions (2):

Labcorp Genetics (formerly Invitae), Labcorp
Classification: Uncertain significance for Autosomal recessive limb-girdle muscular dystrophy type 2Q; Epidermolysis bullosa simplex, Ogna type; Epidermolysis bullosa simplex with nail dystrophy; Epidermolysis bullosa simplex 5C, with pyloric atresia; Epidermolysis bullosa simplex 5B, with muscular dystrophy. Last evaluated: 2025-12-08. Review status: criteria provided, single submitter. Criteria: Invitae Variant Classification Sherloc (09022015). Collection method: clinical testing. Allele origin: germline.
Comment: This sequence change replaces arginine, which is basic and polar, with histidine, which is basic and polar, at codon 1029 of the PLEC protein (p.Arg1029His). The frequency data for this variant in the population databases is considered unreliable, as metrics indicate poor data quality at this position in the gnomAD database. This missense change has been observed in individual(s) with epidermolysis bullosa simplex with muscular dystrophy and myasthenia (PMID: 31509265). In at least one individual the data is consistent with being in trans (on the opposite chromosome) from a pathogenic variant. It has also been observed to segregate with disease in related individuals. ClinVar contains an entry for this variant (Variation ID: 639308). Invitae Evidence Modeling of protein sequence and biophysical properties (such as structural, functional, and spatial information, amino acid conservation, physicochemical variation, residue mobility, and thermodynamic stability) indicates that this missense variant is not expected to disrupt PLEC protein function with a negative predictive value of 80%. In summary, the available evidence is currently insufficient to determine the role of this variant in disease. Therefore, it has been classified as a Variant of Uncertain Significance.

Revvity Omics, Revvity
Classification: Uncertain significance. Last evaluated: 2023-10-27. Review status: criteria provided, single submitter. Criteria: ACMG Guidelines, 2015. Collection method: clinical testing. Allele origin: germline.

Literature cited by the submitters: PubMed 31509265 (cited by Labcorp Genetics (formerly Invitae), Labcorp).

NM_201384.3(PLEC):c.3005G>A (p.Arg1002His)

Gene: PLEC (plectin; minus strand). Cytogenetic location: 8q24.3.
Variant type: single nucleotide variant.
Coding change: c.3005G>A on transcript NM_201384.3 (MANE Select); coding-DNA position 3005, G replaced by A.
Protein change: p.Arg1002His; replaces arginine 1002 with histidine.
Molecular consequence: missense variant.
Genome position (GRCh38, 1-based): chr8:143,929,490, C>T on the plus strand (G>A on the coding strand, the complement: PLEC is on the minus strand). VCF-style: chr8-143929490-C-T. GRCh37 (hg19) VCF-style: chr8-145003658-C-T.
Other names: c.3086G>A, p.Arg1029His (NM_000445.5); c.2963G>A, p.Arg988His (NM_201378.4); c.2939G>A, p.Arg980His (NM_201379.3); c.3416G>A, p.Arg1139His (NM_201380.4); c.2909G>A, p.Arg970His (NM_201381.3); c.3005G>A, p.Arg1002His (NM_201382.4); c.3017G>A, p.Arg1006His (NM_201383.3); short protein forms R988H, R1006H, R1029H, R1139H, R980H, R1002H, R970H.
Identifiers: ClinVar variation 639308 (VCV000639308.9), dbSNP rs369325695, ClinGen allele CA4927263.
Genomic context (GRCh38, chr8:143,929,490, plus strand): 5'-CGCTGGGCACACTCCCGTGCCGGCTCTTTGTCCAGCGGCAGCCGCAGGCGGTGCACGGTG[C>T]GCGTCTCACAGGCCTCCAGCTGCAGCCGGATGTCTTTGAGCTCGGAGATGCAGCGCTGGC-3'
Protein context (NP_958786.1, residues 992-1012): IRLQLEACET[Arg1002His]TVHRLRLPLD